The following is an entry in ClinVar:

ClinVar aggregate classification (germline): Likely pathogenic (1 of 4 stars; one submission).

Submission:

Labcorp Genetics (formerly Invitae), Labcorp
Classification: Likely pathogenic. Last evaluated: 2025-09-02. Review status: criteria provided, single submitter. Criteria: Invitae Variant Classification Sherloc (09022015). Collection method: clinical testing. Allele origin: germline.
Comment: This variant results in the deletion of part of exon 14 of the EMC1 gene. It is expected to disrupt RNA splicing. Variants that disrupt the donor or acceptor splice site typically lead to a loss of protein function (PMID: 16199547), and loss-of-function variants in EMC1 are known to be pathogenic (PMID: 26572623, 26942288, 29271071). This variant is present in population databases (no rsID available, gnomAD 0.0009%). This variant has not been reported in the literature in individuals affected with EMC1-related conditions. ClinVar contains an entry for this variant (Variation ID: 1504650). In summary, the currently available evidence indicates that the variant is pathogenic, but additional data are needed to prove that conclusively. Therefore, this variant has been classified as Likely Pathogenic.

Literature cited by the submitters: PubMed 16199547; PubMed 26572623; PubMed 26942288; PubMed 29271071.

NM_015047.3(EMC1):c.1617_1632+6del

Genes: EMC1 (ER membrane protein complex subunit 1; minus strand), EMC1-AS1 (EMC1 antisense RNA 1; plus strand). Cytogenetic location: 1p36.13.
Variant type: Deletion.
Coding change: c.1617_1632+6del on transcript NM_015047.3 (MANE Select); coding-DNA position 1617 through 6 bases into the intron after coding-DNA position 1632, 22 bases deleted (AACAGCCTCAGGCAAGGTGAGT).
Molecular consequence: splice donor variant.
Genome position (GRCh38, 1-based): chr1:19,232,930-19,232,951, ACTCACCTTGCCTGAGGCTGTT deleted on the plus strand (AACAGCCTCAGGCAAGGTGAGT on the coding strand, the reverse complement: EMC1 is on the minus strand); deleting any 22 consecutive bases within chr1:19,232,930-19,232,953 gives the same sequence; the c. name uses the placement nearest the transcript's 3' end. VCF-style (leftmost placement, unchanged base first): chr1-19232929-CACTCACCTTGCCTGAGGCTGTT-C. GRCh37 (hg19) VCF-style: chr1-19559423-CACTCACCTTGCCTGAGGCTGTT-C.
Other names: c.1551_1566+6del (NM_001271429.2); c.1614_1629+6del (NM_001271427.2, NM_001271428.2); c.1623_1638+6del (NM_001375821.1); c.1626_1641+6del (NM_001375820.1).
Identifiers: ClinVar variation 1504650 (VCV001504650.6), dbSNP rs1431810286, ClinGen allele CA521897327.
Genomic context (GRCh38, chr1:19,232,929, plus strand): 5'-AAGGCTTTTTGTTCCTCACCCTCAGAATTTGAAAAGGTTCAGTAACTGGAGCTTAAACCC[CACTCACCTTGCCTGAGGCTGTT>C]ACCATCACCATCATCTTCTGGAGGTTGAATTCATCTCTGGCCAGGGTGTCAATGTTGATC-3'